The following is an entry in ClinVar:

NM_053025.4(MYLK):c.1641G>A (p.Trp547Ter)

Gene: MYLK (myosin light chain kinase; minus strand). Cytogenetic location: 3q21.1.
Variant type: single nucleotide variant.
Coding change: c.1641G>A on transcript NM_053025.4 (MANE Select); coding-DNA position 1641, G replaced by A.
Protein change: p.Trp547Ter; replaces tryptophan 547 with a stop codon.
Molecular consequence: nonsense.
Genome position (GRCh38, 1-based): chr3:123,725,954, C>T on the plus strand (G>A on the coding strand, the complement: MYLK is on the minus strand). VCF-style: chr3-123725954-C-T. GRCh37 (hg19) VCF-style: chr3-123444801-C-T.
Other names: c.1113G>A, p.Trp371Ter (NM_001321309.2); c.1434G>A, p.Trp478Ter (NM_053026.4, NM_053028.4); c.1641G>A, p.Trp547Ter (NM_053027.4); short protein forms W371*, W478*, W547*.
Identifiers: ClinVar variation 4084588 (VCV004084588.8).

ClinVar aggregate classification (germline): Pathogenic (1 of 4 stars; one submission).

gnomAD v4.1: 1 of 1,613,926 alleles (0.000062%); highest among the groups gnomAD compares: Middle Eastern, 0.016%; no homozygotes.

Submission:

CeGaT Center for Human Genetics Tuebingen
Classification: Pathogenic. Last evaluated: 2025-07-01. Review status: criteria provided, single submitter. Criteria: CeGaT Center For Human Genetics Tuebingen Variant Classification Criteria Version 2. Collection method: clinical testing. Allele origin: germline. Affected: yes. Observed: 1 variant allele.
Comment: MYLK: PVS1, PM2